The following is an entry in ClinVar:

NM_001267550.2(TTN):c.102985G>A (p.Ala34329Thr)

Genes: TTN (titin; minus strand), TTN-AS1 (TTN antisense RNA 1; plus strand). Cytogenetic location: 2q31.2.
Variant type: single nucleotide variant.
Coding change: c.102985G>A on transcript NM_001267550.2 (MANE Select); coding-DNA position 102985, G replaced by A.
Protein change: p.Ala34329Thr; replaces alanine 34329 with threonine.
Molecular consequence: missense variant.
Genome position (GRCh38, 1-based): chr2:178,533,630, C>T on the plus strand (G>A on the coding strand, the complement: TTN is on the minus strand). VCF-style: chr2-178533630-C-T. GRCh37 (hg19) VCF-style: chr2-179398357-C-T.
Other names: c.98062G>A, p.Ala32688Thr (NM_001256850.1); c.75790G>A, p.Ala25264Thr (NM_003319.4); c.95281G>A, p.Ala31761Thr (NM_133378.4); c.76165G>A, p.Ala25389Thr (NM_133432.3); c.76366G>A, p.Ala25456Thr (NM_133437.4); short protein forms A25264T, A25389T, A25456T, A32688T, A31761T, A34329T.
Identifiers: ClinVar variation 1511900 (VCV001511900.8), dbSNP rs749925915, ClinGen allele CA1985671.

ClinVar aggregate classification (germline): Conflicting classifications of pathogenicity. Review status: criteria provided, conflicting classifications (1 of 4 stars). 3 submissions from 3 submitters: Uncertain significance (2); Likely benign (1). Last evaluated 2025-04-09.

Conditions:
Hypertrophic cardiomyopathy 9. Also called: Familial hypertrophic cardiomyopathy 9. Identifiers: MedGen C1861065, MONDO:0013412, OMIM 613765.
Tibial muscular dystrophy (TMD). Also called: UDD MYOPATHY; Tibial muscular dystrophy, tardive; Udd Distal Myopathy – Tibial Muscular Dystrophy. Identifiers: Orphanet 609, MedGen C1838244, MONDO:0010870, OMIM 600334.
Autosomal recessive limb-girdle muscular dystrophy type 2J (LGMDR10). Also called: Limb-girdle muscular dystrophy, type 2J; MUSCULAR DYSTROPHY, LIMB-GIRDLE, AUTOSOMAL RECESSIVE 10. Identifiers: Orphanet 140922, MedGen C1837342, MONDO:0012127, OMIM 608807.
Myopathy, myofibrillar, 9, with early respiratory failure (MFM9). Also called: Hereditary myopathy with early respiratory failure; EDSTROM MYOPATHY; MYOPATHY, PROXIMAL, WITH EARLY RESPIRATORY MUSCLE INVOLVEMENT; Myopathy, distal, with early respiratory failure, autosomal dominant. Identifiers: Orphanet 178464, Orphanet 34521, MedGen C1863599, MONDO:0011362, OMIM 603689.
Dilated cardiomyopathy 1G (CMD1G). Identifiers: Orphanet 154, MedGen C1858763, MONDO:0011400, OMIM 604145.
Early-onset myopathy with fatal cardiomyopathy (CMYO5). Also called: Salih Myopathy; CONGENITAL MYOPATHY 5 WITH CARDIOMYOPATHY. Identifiers: Orphanet 289377, MedGen C2673677, MONDO:0012714, OMIM 611705. Disease mechanism: loss of function.

Allele frequency attached by ClinVar (database versions not stated): gnomAD 0.00001; gnomAD exomes 0.00001; ExAC 0.00002.
gnomAD v4.1: 20 of 1,613,824 alleles (0.0012%); highest among the groups gnomAD compares: South Asian, 0.0055%; no homozygotes.

Submissions (3):

Molecular Diagnostic Laboratory for Inherited Cardiovascular Disease, Montreal Heart Institute
Classification: Likely benign. Last evaluated: 2025-04-09. Review status: criteria provided, single submitter. Criteria: ACMG Guidelines, 2015. Collection method: clinical testing. Allele origin: germline. Affected: no.

Labcorp Genetics (formerly Invitae), Labcorp
Classification: Uncertain significance for Dilated cardiomyopathy 1G; Autosomal recessive limb-girdle muscular dystrophy type 2J. Last evaluated: 2024-10-18. Review status: criteria provided, single submitter. Criteria: Invitae Variant Classification Sherloc (09022015). Collection method: clinical testing. Allele origin: germline.
Comment: This sequence change replaces alanine, which is neutral and non-polar, with threonine, which is neutral and polar, at codon 34329 of the TTN protein (p.Ala34329Thr). This variant is present in population databases (rs749925915, gnomAD 0.006%). This variant has not been reported in the literature in individuals affected with TTN-related conditions. ClinVar contains an entry for this variant (Variation ID: 1511900). Experimental studies and prediction algorithms are not available or were not evaluated, and the functional significance of this variant is currently unknown. This variant is located in the M band of TTN (PMID: 25589632). Non-truncating variants in this region may be relevant for neuromuscular disorders, but have not been definitively shown to cause cardiomyopathy (PMID: 23975875). In summary, the available evidence is currently insufficient to determine the role of this variant in disease. Therefore, it has been classified as a Variant of Uncertain Significance.

Fulgent Genetics
Classification: Uncertain significance for Tibial muscular dystrophy; Myopathy, myofibrillar, 9, with early respiratory failure; Dilated cardiomyopathy 1G; Autosomal recessive limb-girdle muscular dystrophy type 2J; Early-onset myopathy with fatal cardiomyopathy; Hypertrophic cardiomyopathy 9. Last evaluated: 2024-02-28. Review status: criteria provided, single submitter. Criteria: ACMG Guidelines, 2015. Collection method: clinical testing. Allele origin: germline.

Literature cited by the submitters: PubMed 25589632 (cited by Labcorp Genetics (formerly Invitae), Labcorp); PubMed 23975875 (cited by Labcorp Genetics (formerly Invitae), Labcorp).